The following is an entry in ClinVar:

NM_005219.5(DIAPH1):c.1835C>T (p.Pro612Leu)

Gene: DIAPH1 (diaphanous related formin 1; minus strand). Cytogenetic location: 5q31.3.
Variant type: single nucleotide variant.
Coding change: c.1835C>T on transcript NM_005219.5 (MANE Select); coding-DNA position 1835, C replaced by T.
Protein change: p.Pro612Leu; replaces proline 612 with leucine.
Molecular consequence: missense variant.
Genome position (GRCh38, 1-based): chr5:141,574,015, G>A on the plus strand (C>T on the coding strand, the complement: DIAPH1 is on the minus strand). VCF-style: chr5-141574015-G-A. GRCh37 (hg19) VCF-style: chr5-140953582-G-A.
Other names: c.1808C>T, p.Pro603Leu (NM_001079812.3); c.1835C>T, p.Pro612Leu (NM_001314007.2); short protein forms P603L, P612L.
Identifiers: ClinVar variation 855944 (VCV000855944.10), dbSNP rs1421185830, ClinGen allele CA361520775.

ClinVar aggregate classification (germline): Uncertain significance (1 of 4 stars; one submission).

Conditions:
Progressive microcephaly-seizures-cortical blindness-developmental delay syndrome. Also called: Seizures, cortical blindness, and microcephaly syndrome. Identifiers: Orphanet 477814, MedGen C5567650, MONDO:0014714, OMIM 616632.
Autosomal dominant nonsyndromic hearing loss 1. Also called: KONIGSMARK SYNDROME; DEAFNESS, AUTOSOMAL DOMINANT 1, WITH OR WITHOUT THROMBOCYTOPENIA. Identifiers: Orphanet 90635, MedGen C1852282, MONDO:0007424, OMIM 124900.

Allele frequency attached by ClinVar (database versions not stated): gnomAD exomes below 0.00001.
gnomAD v4.1: 3 of 1,560,906 alleles (0.00019%); highest among the groups gnomAD compares: Non-Finnish European, 0.00026%; no homozygotes.

Submission:

Labcorp Genetics (formerly Invitae), Labcorp
Classification: Uncertain significance for Progressive microcephaly-seizures-cortical blindness-developmental delay syndrome; Autosomal dominant nonsyndromic hearing loss 1. Last evaluated: 2023-04-06. Review status: criteria provided, single submitter. Criteria: Invitae Variant Classification Sherloc (09022015). Collection method: clinical testing. Allele origin: germline.
Comment: This sequence change replaces proline, which is neutral and non-polar, with leucine, which is neutral and non-polar, at codon 612 of the DIAPH1 protein (p.Pro612Leu). The frequency data for this variant in the population databases is considered unreliable, as metrics indicate poor data quality at this position in the gnomAD database. This variant has not been reported in the literature in individuals affected with DIAPH1-related conditions. ClinVar contains an entry for this variant (Variation ID: 855944). Experimental studies and prediction algorithms are not available or were not evaluated, and the functional significance of this variant is currently unknown. In summary, the available evidence is currently insufficient to determine the role of this variant in disease. Therefore, it has been classified as a Variant of Uncertain Significance.